The following is an entry in ClinVar:

ClinVar aggregate classification (germline): Likely pathogenic (1 of 4 stars; one submission).

Submission:

GeneDx
Classification: Likely pathogenic. Last evaluated: 2017-04-10. Review status: criteria provided, single submitter. Criteria: GeneDx Variant Classification (06012015). Collection method: clinical testing. Allele origin: germline. Affected: yes.
Comment: A variant that is likely pathogenic has been identified in the PURA gene. The K144N variant has not been published as a pathogenic variant, nor has it been reported as a benign variant to our knowledge. It is not observed in large population cohorts (Lek et al., 2016; 1000 Genomes Consortium et al., 2015; Exome Variant Server). The K144N variant is a semi-conservative amino acid substitution, which may impact secondary protein structure as these residues differ in some properties. This substitution occurs at a position that is conserved across species. In silico analysis predicts this variant is probably damaging to the protein structure/function. Additionally, the K144N variant was observed as an apparently de novo change. However, missense variants in nearby residues have not been reported in the Human Gene Mutation Database in association with a PURA-related disorder (Stenson et al., 2014). Therefore, this variant is likely pathogenic; however, the possibility that it is benign cannot be excluded.

NM_005859.5(PURA):c.432A>C (p.Lys144Asn)

Genes: PURA (purine rich element binding protein A; plus strand), LOC129994826 (ATAC-STARR-seq lymphoblastoid active region 23260; plus strand). Cytogenetic location: 5q31.3.
Variant type: single nucleotide variant.
Coding change: c.432A>C on transcript NM_005859.5 (MANE Select); coding-DNA position 432, A replaced by C.
Protein change: p.Lys144Asn; replaces lysine 144 with asparagine.
Molecular consequence: missense variant.
Genome position (GRCh38, 1-based): chr5:140,114,613, A>C. VCF-style: chr5-140114613-A-C. GRCh37 (hg19) VCF-style: chr5-139494198-A-C.
Other names: short protein forms K144N.
Identifiers: ClinVar variation 449824 (VCV000449824.2), dbSNP rs1554129086, ClinGen allele CA361490751.